The following is an entry in ClinVar:

NM_007194.4(CHEK2):c.554A>G (p.Asn185Ser)

Gene: CHEK2 (checkpoint kinase 2; minus strand). Cytogenetic location: 22q12.1.
Variant type: single nucleotide variant.
Coding change: c.554A>G on transcript NM_007194.4 (MANE Select); coding-DNA position 554, A replaced by G.
Protein change: p.Asn185Ser; replaces asparagine 185 with serine.
Molecular consequence: missense variant. On other transcripts: 5 prime UTR variant (2), intron variant (1).
Genome position (GRCh38, 1-based): chr22:28,725,015, T>C on the plus strand (A>G on the coding strand, the complement: CHEK2 is on the minus strand). VCF-style: chr22-28725015-T-C. GRCh37 (hg19) VCF-style: chr22-29121003-T-C.
Other names: c.683A>G, p.Asn228Ser (NM_001005735.3, NM_001438294.1); c.-224A>G (NM_001257387.3); c.-110A>G (NM_001437942.1); c.647A>G, p.Asn216Ser (NM_001438293.1, NM_001438295.1); c.554A>G, p.Asn185Ser (NM_145862.3); c.445-92A>G (NM_001349956.3); short protein forms N185S, N228S, N216S.
Identifiers: ClinVar variation 1047103 (VCV001047103.7), dbSNP rs2053939554, ClinGen allele CA411107154.

ClinVar aggregate classification (germline): Uncertain significance (1 of 4 stars; one submission).

Conditions:
Familial cancer of breast. Also called: Hereditary breast cancer; hereditary breast carcinoma; BREAST CANCER, FAMILIAL. Identifiers: Orphanet 227535, MedGen C0346153, MONDO:0016419, OMIM 114480. Disease mechanism: loss of function.

Submission:

Labcorp Genetics (formerly Invitae), Labcorp
Classification: Uncertain significance for Familial cancer of breast. Last evaluated: 2022-07-19. Review status: criteria provided, single submitter. Criteria: Invitae Variant Classification Sherloc (09022015). Collection method: clinical testing. Allele origin: germline.
Comment: This sequence change replaces asparagine, which is neutral and polar, with serine, which is neutral and polar, at codon 185 of the CHEK2 protein (p.Asn185Ser). In summary, the available evidence is currently insufficient to determine the role of this variant in disease. Therefore, it has been classified as a Variant of Uncertain Significance. Algorithms developed to predict the effect of sequence changes on RNA splicing suggest that this variant may create or strengthen a splice site. Algorithms developed to predict the effect of missense changes on protein structure and function are either unavailable or do not agree on the potential impact of this missense change (SIFT: "Deleterious"; PolyPhen-2: "Probably Damaging"; Align-GVGD: "Class C0"). ClinVar contains an entry for this variant (Variation ID: 1047103). This variant has not been reported in the literature in individuals affected with CHEK2-related conditions. This variant is not present in population databases (gnomAD no frequency).